The following is an entry in ClinVar:

ClinVar aggregate classification (germline): Pathogenic (1 of 4 stars; one submission).

Conditions:
Long QT syndrome (LQTS). Identifiers: MedGen C0023976, MeSH D008133, MONDO:0002442. Disease mechanism: loss of function. Inheritance: Various modes of inheritance.

Submission:

Labcorp Genetics (formerly Invitae), Labcorp
Classification: Pathogenic for Long QT syndrome. Last evaluated: 2025-09-10. Review status: criteria provided, single submitter. Criteria: Invitae Variant Classification Sherloc (09022015). Collection method: clinical testing. Allele origin: germline.
Comment: This sequence change creates a premature translational stop signal (p.Gln688Profs*24) in the KCNH2 gene. It is expected to result in an absent or disrupted protein product. Loss-of-function variants in KCNH2 are known to be pathogenic (PMID: 10973849, 19862833). This variant is not present in population databases (gnomAD no frequency). This variant has not been reported in the literature in individuals affected with KCNH2-related conditions. For these reasons, this variant has been classified as Pathogenic.

Literature cited by the submitters: PubMed 10973849; PubMed 19862833.

NM_000238.4(KCNH2):c.2063_2069del (p.Gln688fs)

Gene: KCNH2 (potassium voltage-gated channel subfamily H member 2; minus strand). Cytogenetic location: 7q36.1.
Variant type: Deletion.
Coding change: c.2063_2069del on transcript NM_000238.4 (MANE Select); coding-DNA positions 2063 to 2069, 7 bases deleted (AGATCCC; older notation c.2063_2069delAGATCCC).
Protein change: p.Gln688fs; shifts the reading frame from glutamine 688.
Molecular consequence: frameshift variant. On other transcripts: non-coding transcript variant (2).
Genome position (GRCh38, 1-based): chr7:150,950,997-150,951,003, GGGATCT deleted on the plus strand (AGATCCC on the coding strand, the reverse complement: KCNH2 is on the minus strand); deleting any 7 consecutive bases within chr7:150,950,997-150,951,005 gives the same sequence; the c. name uses the placement nearest the transcript's 3' end. VCF-style (leftmost placement, unchanged base first): chr7-150950996-GGGGATCT-G. GRCh37 (hg19) VCF-style: chr7-150648084-GGGGATCT-G.
Other names: c.1043_1049del, p.Gln348fs (NM_001204798.2, NM_172057.3); c.1775_1781del, p.Gln592fs (NM_001406753.1, NM_001406756.1); c.1886_1892del, p.Gln629fs (NM_001406755.1); c.1763_1769del, p.Gln588fs (NM_001406757.1); c.2063_2069del, p.Gln688fs (NM_172056.3); short protein forms Q592fs, Q588fs, Q688fs, Q629fs, Q348fs.
Identifiers: ClinVar variation 4726900 (VCV004726900.1).